The following is an entry in ClinVar:

ClinVar aggregate classification (germline): Uncertain significance (1 of 4 stars; one submission).

gnomAD v4.1: 1 of 1,613,844 alleles (0.000062%); highest among the groups gnomAD compares: Middle Eastern, 0.017%; no homozygotes.

Submission:

GeneDx
Classification: Uncertain significance. Last evaluated: 2025-04-28. Review status: criteria provided, single submitter. Criteria: GeneDx Variant Classification Process June 2021. Collection method: clinical testing. Allele origin: germline. Affected: yes.
Comment: Not observed at significant frequency in large population cohorts (gnomAD); In silico analysis indicates that this missense variant does not alter protein structure/function; Has not been previously published as pathogenic or benign to our knowledge; This substitution is predicted to be within the C-terminal cytoplasmic domain and the IQ domain

NM_001165963.4(SCN1A):c.5812G>C (p.Ala1938Pro)

Genes: SCN1A (sodium voltage-gated channel alpha subunit 1; minus strand), LOC102724058 (uncharacterized LOC102724058; plus strand). Cytogenetic location: 2q24.3.
Variant type: single nucleotide variant.
Coding change: c.5812G>C on transcript NM_001165963.4 (MANE Select); coding-DNA position 5812, G replaced by C.
Protein change: p.Ala1938Pro; replaces alanine 1938 with proline.
Molecular consequence: missense variant. On other transcripts: non-coding transcript variant (1).
Genome position (GRCh38, 1-based): chr2:165,991,463, C>G on the plus strand (G>C on the coding strand, the complement: SCN1A is on the minus strand). VCF-style: chr2-165991463-C-G. GRCh37 (hg19) VCF-style: chr2-166847973-C-G.
Other names: c.5728G>C, p.Ala1910Pro (NM_001165964.3, NM_001353957.2, NM_001353958.2); c.5812G>C, p.Ala1938Pro (NM_001202435.3, NM_001353948.2); c.5779G>C, p.Ala1927Pro (NM_001353949.2, NM_001353950.2, NM_001353951.2 and 2 more transcripts); c.5776G>C, p.Ala1926Pro (NM_001353954.2, NM_001353955.2); c.5725G>C, p.Ala1909Pro (NM_001353960.2); c.3370G>C, p.Ala1124Pro (NM_001353961.2); short protein forms A1124P, A1909P, A1910P, A1926P, A1927P, A1938P.
Identifiers: ClinVar variation 4527853 (VCV004527853.1).